The following is an entry in ClinVar:

ClinVar aggregate classification (germline): Uncertain significance. Review status: criteria provided, multiple submitters, no conflicts (2 of 4 stars). 2 submissions from 2 submitters: Uncertain significance (2). Last evaluated 2024-07-16.

Conditions:
Ataxia-telangiectasia syndrome (AT). Also called: Ataxia-telangiectasia, complementation group D; AT, COMPLEMENTATION GROUP C; ATAXIA-TELANGIECTASIA, COMPLEMENTATION GROUP A; ATAXIA-TELANGIECTASIA, FRESNO VARIANT; Ataxia-telangiectasia; Ataxia-telangiectasia, complementation group E. Identifiers: Orphanet 100, MedGen C0004135, MONDO:0008840, OMIM 208900.
Hereditary cancer-predisposing syndrome. Also called: Neoplastic Syndromes, Hereditary; Tumor predisposition; Hereditary Cancer Syndrome; Hereditary neoplastic syndrome. Identifiers: Orphanet 140162, MedGen C0027672, MeSH D009386, MONDO:0015356.

gnomAD v4.1: 1 of 1,608,432 alleles (0.000062%); highest among the groups gnomAD compares: Non-Finnish European, 0.000085%; no homozygotes.

Submissions (2):

Labcorp Genetics (formerly Invitae), Labcorp
Classification: Uncertain significance for Ataxia-telangiectasia syndrome. Last evaluated: 2024-07-16. Review status: criteria provided, single submitter. Criteria: Invitae Variant Classification Sherloc (09022015). Collection method: clinical testing. Allele origin: germline.
Comment: This sequence change replaces alanine, which is neutral and non-polar, with glycine, which is neutral and non-polar, at codon 2883 of the ATM protein (p.Ala2883Gly). This variant is not present in population databases (gnomAD no frequency). This variant has not been reported in the literature in individuals affected with ATM-related conditions. An algorithm developed to predict the effect of missense changes on protein structure and function (PolyPhen-2) suggests that this variant is likely to be disruptive. In summary, the available evidence is currently insufficient to determine the role of this variant in disease. Therefore, it has been classified as a Variant of Uncertain Significance.

Color Diagnostics, LLC DBA Color Health
Classification: Uncertain significance for Hereditary cancer-predisposing syndrome. Last evaluated: 2024-04-07. Review status: criteria provided, single submitter. Criteria: ACMG Guidelines, 2015. Collection method: clinical testing. Allele origin: germline.
Comment: This missense variant replaces alanine with glycine at codon 2883 of the ATM protein. Computational prediction suggests that this variant may not impact protein structure and function (internally defined REVEL score threshold <= 0.5, PMID: 27666373). To our knowledge, functional studies have not been reported for this variant. This variant has not been reported in individuals affected with ATM-related disorders in the literature. This variant has not been identified in the general population by the Genome Aggregation Database (gnomAD). The available evidence is insufficient to determine the role of this variant in disease conclusively. Therefore, this variant is classified as a Variant of Uncertain Significance.

NM_000051.4(ATM):c.8648C>G (p.Ala2883Gly)

Genes: ATM (ATM serine/threonine kinase; plus strand), C11orf65 (chromosome 11 open reading frame 65; minus strand). Cytogenetic location: 11q22.3.
Variant type: single nucleotide variant.
Coding change: c.8648C>G on transcript NM_000051.4 (MANE Select); coding-DNA position 8648, C replaced by G.
Protein change: p.Ala2883Gly; replaces alanine 2883 with glycine.
Molecular consequence: missense variant. On other transcripts: intron variant (2).
Genome position (GRCh38, 1-based): chr11:108,347,342, C>G. VCF-style: chr11-108347342-C-G. GRCh37 (hg19) VCF-style: chr11-108218069-C-G.
Other names: c.8648C>G, p.Ala2883Gly (NM_001351834.2); c.641-38271G>C (NM_001330368.2); c.695-12050G>C (NM_001351110.2); short protein forms A2883G.
Identifiers: ClinVar variation 3655950 (VCV003655950.2).
Genomic context (GRCh38, chr11:108,347,342, plus strand): 5'-GTTACATACTTGGACTTGGTGATAGACATGTACAGAATATCTTGATAAATGAGCAGTCAG[C>G]AGAACTTGTACATATAGATCTAGGTAAGTAATAAAATCTATGTATCTATTCTTTTTAGTA-3'
Protein context (NP_000042.3, residues 2873-2893): VQNILINEQS[Ala2883Gly]ELVHIDLGVA